The following is an entry in ClinVar:

NM_004859.4(CLTC):c.3065+5G>A

Gene: CLTC (clathrin heavy chain; plus strand). Cytogenetic location: 17q23.1.
Variant type: single nucleotide variant.
Coding change: c.3065+5G>A on transcript NM_004859.4 (MANE Select); 5 bases into the intron after coding-DNA position 3065, G replaced by A.
Molecular consequence: intron variant.
Genome position (GRCh38, 1-based): chr17:59,681,062, G>A. VCF-style: chr17-59681062-G-A. GRCh37 (hg19) VCF-style: chr17-57758423-G-A.
Other names: c.3077+5G>A (NM_001288653.2).
Identifiers: ClinVar variation 1437836 (VCV001437836.6), dbSNP rs763406694, ClinGen allele CA8681510.

ClinVar aggregate classification (germline): Uncertain significance (1 of 4 stars; one submission).

Allele frequency attached by ClinVar (database versions not stated): ExAC 0.00001; gnomAD 0.00001; TOPMed 0.00001; gnomAD exomes 0.00002 and 0.00008.

Submission:

Labcorp Genetics (formerly Invitae), Labcorp
Classification: Uncertain significance. Last evaluated: 2024-02-23. Review status: criteria provided, single submitter. Criteria: Invitae Variant Classification Sherloc (09022015). Collection method: clinical testing. Allele origin: germline.
Comment: This sequence change falls in intron 19 of the CLTC gene. It does not directly change the encoded amino acid sequence of the CLTC protein. It affects a nucleotide within the consensus splice site. This variant is present in population databases (rs763406694, gnomAD 0.004%). This variant has not been reported in the literature in individuals affected with CLTC-related conditions. ClinVar contains an entry for this variant (Variation ID: 1437836). Variants that disrupt the consensus splice site are a relatively common cause of aberrant splicing (PMID: 17576681, 9536098). Algorithms developed to predict the effect of sequence changes on RNA splicing suggest that this variant is not likely to affect RNA splicing. In summary, the available evidence is currently insufficient to determine the role of this variant in disease. Therefore, it has been classified as a Variant of Uncertain Significance.

Literature cited by the submitters: PubMed 17576681; PubMed 9536098.